The following is an entry in ClinVar:

NC_000002.11:g.(?_112778979)_(112779178_?)del

Gene: MERTK (MER proto-oncogene, tyrosine kinase; plus strand). Cytogenetic location: 2q13.
Variant type: Deletion.
Identifiers: ClinVar variation 2425572 (VCV002425572.3).

ClinVar aggregate classification (germline): Pathogenic (1 of 4 stars; one submission).

Submission:

Labcorp Genetics (formerly Invitae), Labcorp
Classification: Pathogenic. Last evaluated: 2022-09-23. Review status: criteria provided, single submitter. Criteria: Invitae Variant Classification Sherloc (09022015). Collection method: clinical testing. Allele origin: germline.
Comment: This variant is a gross deletion of the genomic region encompassing exon(s) 17 of the MERTK gene. This deletion is out-of-frame, and is expected to create a premature termination codon and result in an absent or disrupted protein product. Loss-of-function variants in MERTK are known to be pathogenic (PMID: 24265693, 29659094). This variant has not been reported in the literature in individuals affected with MERTK-related conditions. For these reasons, this variant has been classified as Pathogenic.

Literature cited by the submitters: PubMed 24265693; PubMed 29659094.